The following is an entry in ClinVar:

ClinVar aggregate classification (germline): Uncertain significance (1 of 4 stars; one submission).

Submission:

Labcorp Genetics (formerly Invitae), Labcorp
Classification: Uncertain significance. Last evaluated: 2022-03-27. Review status: criteria provided, single submitter. Criteria: Invitae Variant Classification Sherloc (09022015). Collection method: clinical testing. Allele origin: germline.
Comment: This sequence change replaces threonine, which is neutral and polar, with isoleucine, which is neutral and non-polar, at codon 834 of the TBCK protein (p.Thr834Ile). This variant is not present in population databases (gnomAD no frequency). This variant has not been reported in the literature in individuals affected with TBCK-related conditions. Algorithms developed to predict the effect of missense changes on protein structure and function (SIFT, PolyPhen-2, Align-GVGD) all suggest that this variant is likely to be tolerated. In summary, the available evidence is currently insufficient to determine the role of this variant in disease. Therefore, it has been classified as a Variant of Uncertain Significance.

NM_001163435.3(TBCK):c.2501C>T (p.Thr834Ile)

Gene: TBCK (TBC1 domain containing kinase; minus strand). Cytogenetic location: 4q24.
Variant type: single nucleotide variant.
Coding change: c.2501C>T on transcript NM_001163435.3 (MANE Select); coding-DNA position 2501, C replaced by T.
Protein change: p.Thr834Ile; replaces threonine 834 with isoleucine.
Molecular consequence: missense variant.
Genome position (GRCh38, 1-based): chr4:106,095,552, G>A on the plus strand (C>T on the coding strand, the complement: TBCK is on the minus strand). VCF-style: chr4-106095552-G-A. GRCh37 (hg19) VCF-style: chr4-107016709-G-A.
Other names: c.2501C>T, p.Thr834Ile (NM_001163436.4); c.2384C>T, p.Thr795Ile (NM_001163437.3); c.1985C>T, p.Thr662Ile (NM_001290768.2); c.2312C>T, p.Thr771Ile (NM_033115.5); short protein forms T662I, T771I, T834I, T795I.
Identifiers: ClinVar variation 2118495 (VCV002118495.4), dbSNP rs2477600494, ClinGen allele CA357970697.